The following is an entry in ClinVar:

ClinVar aggregate classification (germline): Likely benign. Review status: criteria provided, multiple submitters, no conflicts (2 of 4 stars). 3 submissions from 3 submitters: Likely benign (3). Last evaluated 2026-01-27.

Conditions:
Dyskeratosis congenita, autosomal recessive 5 (DKCB5). Identifiers: MedGen C3554656, MONDO:0014076, OMIM 615190.
Pulmonary fibrosis and/or bone marrow failure, Telomere-related, 3. Also called: PULMONARY FIBROSIS AND/OR BONE MARROW FAILURE SYNDROME, TELOMERE-RELATED, 3. Identifiers: Orphanet 2032, MedGen C4225346, MONDO:0014613, OMIM 616373.

Allele frequency attached by ClinVar (database versions not stated): gnomAD 0.00002 and 0.00003; ExAC 0.00006; gnomAD exomes 0.00008; ESP Exome Variant Server 0.00015.
gnomAD v4.1: 126 of 1,611,488 alleles (0.0078%); highest among the groups gnomAD compares: East Asian, 0.011%; no homozygotes.

Submissions (3):

Labcorp Genetics (formerly Invitae), Labcorp
Classification: Likely benign for Dyskeratosis congenita, autosomal recessive 5; Pulmonary fibrosis and/or bone marrow failure, Telomere-related, 3. Last evaluated: 2026-01-27. Review status: criteria provided, single submitter. Criteria: Invitae Variant Classification Sherloc (09022015). Collection method: clinical testing. Allele origin: germline.

Blueprint Genetics
Classification: Likely benign. Last evaluated: 2024-05-09. Review status: criteria provided, single submitter. Criteria: ACMG Guidelines, 2015. Collection method: clinical testing. Allele origin: germline.

CeGaT Center for Human Genetics Tuebingen
Classification: Likely benign. Last evaluated: 2023-12-01. Review status: criteria provided, single submitter. Criteria: CeGaT Center For Human Genetics Tuebingen Variant Classification Criteria Version 2. Collection method: clinical testing. Allele origin: germline. Affected: yes. Observed: 1 variant allele.
Comment: RTEL1: BP4, BP7

NM_001283009.2(RTEL1):c.2154C>T (p.Ala718=)

Genes: RTEL1 (regulator of telomere elongation helicase 1; plus strand), RTEL1-TNFRSF6B (RTEL1-TNFRSF6B readthrough (NMD candidate); plus strand). Cytogenetic location: 20q13.33.
Variant type: single nucleotide variant.
Coding change: c.2154C>T on transcript NM_001283009.2 (MANE Select); coding-DNA position 2154, C replaced by T.
Protein change: p.Ala718=; no amino-acid change (alanine 718 retained).
Molecular consequence: synonymous variant. On other transcripts: non-coding transcript variant (1).
Genome position (GRCh38, 1-based): chr20:63,690,099, C>T. VCF-style: chr20-63690099-C-T. GRCh37 (hg19) VCF-style: chr20-62321452-C-T.
Other names: c.1485C>T, p.Ala495= (NM_001283010.1); c.2154C>T, p.Ala718= (NM_016434.4); c.2226C>T, p.Ala742= (NM_032957.5).
Identifiers: ClinVar variation 1160794 (VCV001160794.32), dbSNP rs149899386, ClinGen allele CA9965210.